The following is an entry in ClinVar:

ClinVar aggregate classification (germline): Conflicting classifications of pathogenicity. Review status: criteria provided, conflicting classifications (1 of 4 stars). 3 submissions from 3 submitters: Uncertain significance (1); Likely benign (2). Last evaluated 2026-03-01.

Conditions:
Intellectual developmental disorder, autosomal dominant 50, with behavioral abnormalities. Also called: Intellectual disability, autosomal dominant 50; MENTAL RETARDATION, AUTOSOMAL DOMINANT 50. Identifiers: MedGen C4540470, MONDO:0030916, OMIM 617787.

Allele frequency attached by ClinVar (database versions not stated): gnomAD exomes below 0.00001; gnomAD 0.00001; TOPMed 0.00002.
gnomAD v4.1: 8 of 1,613,662 alleles (0.0005%); highest among the groups gnomAD compares: African/African-American, 0.0053%; no homozygotes.

Submissions (3):

CeGaT Center for Human Genetics Tuebingen
Classification: Likely benign. Last evaluated: 2026-03-01. Review status: criteria provided, single submitter. Criteria: CeGaT Center For Human Genetics Tuebingen Variant Classification Criteria Version 2. Collection method: clinical testing. Allele origin: germline. Affected: yes. Observed: 2 variant alleles.
Comment: NAA15: PM2, BP4, BS2

Labcorp Genetics (formerly Invitae), Labcorp
Classification: Likely benign. Last evaluated: 2023-02-18. Review status: criteria provided, single submitter. Criteria: Invitae Variant Classification Sherloc (09022015). Collection method: clinical testing. Allele origin: germline.

Revvity Omics, Revvity
Classification: Uncertain significance for Intellectual developmental disorder, autosomal dominant 50, with behavioral abnormalities. Last evaluated: 2022-03-23. Review status: criteria provided, single submitter. Criteria: ACMG Guidelines, 2015. Collection method: clinical testing. Allele origin: germline.

NM_057175.5(NAA15):c.2412G>A (p.Glu804=)

Gene: NAA15 (N-alpha-acetyltransferase 15, NatA auxiliary subunit; plus strand). Cytogenetic location: 4q31.1.
Variant type: single nucleotide variant.
Coding change: c.2412G>A on transcript NM_057175.5 (MANE Select); coding-DNA position 2412, G replaced by A.
Protein change: p.Glu804=; no amino-acid change (glutamic acid 804 retained).
Molecular consequence: synonymous variant.
Genome position (GRCh38, 1-based): chr4:139,387,895, G>A. VCF-style: chr4-139387895-G-A. GRCh37 (hg19) VCF-style: chr4-140309049-G-A.
Other names: c.2409G>A, p.Glu803= (NM_001410842.1); c.*821G>A (NM_025085.2).
Identifiers: ClinVar variation 2877763 (VCV002877763.21), dbSNP rs1216271983, ClinGen allele CA441388673.